The following is an entry in ClinVar:

ClinVar aggregate classification (germline): Likely pathogenic (1 of 4 stars; one submission).

Submission:

Labcorp Genetics (formerly Invitae), Labcorp
Classification: Likely pathogenic. Last evaluated: 2024-08-05. Review status: criteria provided, single submitter. Criteria: Invitae Variant Classification Sherloc (09022015). Collection method: clinical testing. Allele origin: germline.
Comment: This sequence change affects a donor splice site in intron 41 of the COL4A3 gene. It is expected to disrupt RNA splicing. Variants that disrupt the donor or acceptor splice site typically lead to a loss of protein function (PMID: 16199547), and loss-of-function variants in COL4A3 are known to be pathogenic (PMID: 8956999, 24854265, 26809805, 27281700). This variant is not present in population databases (gnomAD no frequency). This variant has not been reported in the literature in individuals affected with COL4A3-related conditions. Algorithms developed to predict the effect of sequence changes on RNA splicing suggest that this variant may disrupt the consensus splice site. In summary, the currently available evidence indicates that the variant is pathogenic, but additional data are needed to prove that conclusively. Therefore, this variant has been classified as Likely Pathogenic.

Literature cited by the submitters: PubMed 16199547; PubMed 8956999; PubMed 24854265; PubMed 26809805; PubMed 27281700.

NM_000091.5(COL4A3):c.3565+1G>A

Genes: MFF-DT (MFF divergent transcript; minus strand), COL4A3 (collagen type IV alpha 3 chain; plus strand). Cytogenetic location: 2q36.3.
Variant type: single nucleotide variant.
Coding change: c.3565+1G>A on transcript NM_000091.5 (MANE Select); the canonical splice donor site of the intron after coding-DNA position 3565, G replaced by A.
Molecular consequence: splice donor variant.
Genome position (GRCh38, 1-based): chr2:227,295,317, G>A. VCF-style: chr2-227295317-G-A. GRCh37 (hg19) VCF-style: chr2-228160033-G-A.
Identifiers: ClinVar variation 2755909 (VCV002755909.3), dbSNP rs2469866015, ClinGen allele CA350859422.